The following is an entry in ClinVar:

ClinVar aggregate classification (germline): Uncertain significance (1 of 4 stars; one submission).

Conditions:
Torsion dystonia 6 (DYT6). Also called: DYT-THAP1. Identifiers: Orphanet 98806, MedGen C1414216, MONDO:0011264, OMIM 602629.

Submission:

Labcorp Genetics (formerly Invitae), Labcorp
Classification: Uncertain significance for Torsion dystonia 6. Last evaluated: 2023-11-14. Review status: criteria provided, single submitter. Criteria: Invitae Variant Classification Sherloc (09022015). Collection method: clinical testing. Allele origin: germline.
Comment: This sequence change replaces phenylalanine, which is neutral and non-polar, with leucine, which is neutral and non-polar, at codon 22 of the THAP1 protein (p.Phe22Leu). This variant is not present in population databases (gnomAD no frequency). This missense change has been observed in individual(s) with dystonia (Invitae). An algorithm developed to predict the effect of missense changes on protein structure and function (PolyPhen-2) suggests that this variant is likely to be tolerated. This variant disrupts the p.Phe22 amino acid residue in THAP1. Other variant(s) that disrupt this residue have been observed in individuals with THAP1-related conditions (PMID: 24500857), which suggests that this may be a clinically significant amino acid residue. In summary, the available evidence is currently insufficient to determine the role of this variant in disease. Therefore, it has been classified as a Variant of Uncertain Significance.

Literature cited by the submitters: PubMed 24500857.

NM_018105.3(THAP1):c.64T>C (p.Phe22Leu)

Gene: THAP1 (THAP domain containing 1; minus strand). Cytogenetic location: 8p11.21.
Variant type: single nucleotide variant.
Coding change: c.64T>C on transcript NM_018105.3 (MANE Select); coding-DNA position 64, T replaced by C.
Protein change: p.Phe22Leu; replaces phenylalanine 22 with leucine.
Molecular consequence: missense variant.
Genome position (GRCh38, 1-based): chr8:42,843,031, A>G on the plus strand (T>C on the coding strand, the complement: THAP1 is on the minus strand). VCF-style: chr8-42843031-A-G. GRCh37 (hg19) VCF-style: chr8-42698174-A-G.
Other names: c.64T>C, p.Phe22Leu (NM_199003.2); short protein forms F22L.
Identifiers: ClinVar variation 2798962 (VCV002798962.3), dbSNP rs2487042022, ClinGen allele CA371109435.
Genomic context (GRCh38, chr8:42,843,031, plus strand): 5'-GCGCGCCCCCACCCCGGCTGAGACCGGCCCCGCGAGGCGCGCAGGGTCCTCACTTGTGGA[A>G]AGAAACGGGCTTGTCCTTGTCGTAGCGGTTCTTGCAGCCGTAGGCGGAGCAGGACTGCAC-3'
Protein context (NP_060575.1, residues 12-32): NRYDKDKPVS[Phe22Leu]HKFPLTRPSL